The following is an entry in ClinVar:

NM_172107.4(KCNQ2):c.2090G>T (p.Gly697Val)

Gene: KCNQ2 (potassium voltage-gated channel subfamily Q member 2; minus strand). Cytogenetic location: 20q13.33.
Variant type: single nucleotide variant.
Coding change: c.2090G>T on transcript NM_172107.4 (MANE Select); coding-DNA position 2090, G replaced by T.
Protein change: p.Gly697Val; replaces glycine 697 with valine.
Molecular consequence: missense variant.
Genome position (GRCh38, 1-based): chr20:63,407,173, C>A on the plus strand (G>T on the coding strand, the complement: KCNQ2 is on the minus strand). VCF-style: chr20-63407173-C-A. GRCh37 (hg19) VCF-style: chr20-62038526-C-A.
Other names: c.2144G>T, p.Gly715Val (NM_001382235.1); c.2006G>T, p.Gly669Val (NM_004518.6); c.2036G>T, p.Gly679Val (NM_172106.3); c.1997G>T, p.Gly666Val (NM_172108.5); short protein forms G666V, G669V, G679V, G697V, G715V.
Identifiers: ClinVar variation 3025873 (VCV003025873.22), dbSNP rs1398433237, ClinGen allele CA409639014.

ClinVar aggregate classification (germline): Uncertain significance (1 of 4 stars; one submission).

Allele frequency attached by ClinVar (database versions not stated): gnomAD exomes below 0.00001.
gnomAD v4.1: 1 of 1,603,042 alleles (0.000062%); highest among the groups gnomAD compares: Admixed American, 0.0017%; no homozygotes.

Submission:

CeGaT Center for Human Genetics Tuebingen
Classification: Uncertain significance. Last evaluated: 2024-02-01. Review status: criteria provided, single submitter. Criteria: CeGaT Center For Human Genetics Tuebingen Variant Classification Criteria Version 2. Collection method: clinical testing. Allele origin: germline. Affected: yes. Observed: 1 variant allele.
Comment: KCNQ2: PM2